The following is an entry in ClinVar:

ClinVar aggregate classification (germline): Benign/Likely benign. Review status: criteria provided, multiple submitters, no conflicts (2 of 4 stars). 2 submissions from 2 submitters: Benign (1); Likely benign (1). Last evaluated 2025-05-09.

Conditions:
Tuberous sclerosis 2 (TSC2). Identifiers: Orphanet 805, MedGen C1860707, MONDO:0013199, OMIM 613254.

Submissions (2):

Myriad Genetics, Inc.
Classification: Benign for Tuberous sclerosis 2. Last evaluated: 2025-05-09. Review status: criteria provided, single submitter. Criteria: Myriad Autosomal Dominant, Autosomal Recessive and X-Linked Classification Criteria (2023). Collection method: clinical testing. Allele origin: unknown.
Comment: This variant is considered benign. This variant is a silent/synonymous amino acid change and it is not expected to impact splicing.

Labcorp Genetics (formerly Invitae), Labcorp
Classification: Likely benign for Tuberous sclerosis 2. Last evaluated: 2023-04-28. Review status: criteria provided, single submitter. Criteria: Invitae Variant Classification Sherloc (09022015). Collection method: clinical testing. Allele origin: germline.

NM_000548.5(TSC2):c.741C>T (p.Ile247=)

Gene: TSC2 (TSC complex subunit 2; plus strand). Cytogenetic location: 16p13.3.
Variant type: single nucleotide variant.
Coding change: c.741C>T on transcript NM_000548.5 (MANE Select); coding-DNA position 741, C replaced by T.
Protein change: p.Ile247=; no amino-acid change (isoleucine 247 retained).
Molecular consequence: synonymous variant.
Genome position (GRCh38, 1-based): chr16:2,056,736, C>T. VCF-style: chr16-2056736-C-T. GRCh37 (hg19) VCF-style: chr16-2106737-C-T.
Other names: c.741C>T, p.Ile247= (NM_001077183.3, NM_001114382.3, NM_001363528.2 and 3 more transcripts); c.630C>T, p.Ile210= (NM_001318827.2); c.594C>T, p.Ile198= (NM_001318829.2); c.141C>T, p.Ile47= (NM_001318831.2); c.774C>T, p.Ile258= (NM_001318832.2).
Identifiers: ClinVar variation 1082735 (VCV001082735.10), dbSNP rs2151080723, ClinGen allele CA492957386.
Genomic context (GRCh38, chr16:2,056,736, plus strand): 5'-CTACAACTGCCTGCCGGCTGAGAGCCTCCCGCTGTTCATCGTTACCCTCTGTCGCACCAT[C>T]AACGTCAAGGAGCTCTGCGAGCCTTGCTGGAAGGTGGGGTTTCTGAAACTGCTCTGGAAG-3'
Protein context (NP_000539.2, residues 237-257): PLFIVTLCRT[Ile247=]NVKELCEPCW